The following is an entry in ClinVar:

ClinVar aggregate classification (germline): Uncertain significance. Review status: criteria provided, multiple submitters, no conflicts (2 of 4 stars). 2 submissions from 2 submitters: Uncertain significance (2). Last evaluated 2022-02-02.

Conditions:
Cardiovascular phenotype. Identifiers: MedGen CN230736.

Allele frequency attached by ClinVar (database versions not stated): gnomAD 0.00001; gnomAD exomes 0.00001; TOPMed 0.00001.
gnomAD v4.1: 14 of 1,549,668 alleles (0.0009%); highest among the groups gnomAD compares: African/African-American, 0.0014%; no homozygotes.

Submissions (2):

Ambry Genetics
Classification: Uncertain significance for Cardiovascular phenotype. Last evaluated: 2022-02-02. Review status: criteria provided, single submitter. Criteria: Ambry Variant Classification Scheme 2023. Collection method: clinical testing. Allele origin: germline.
Comment: The p.S213N variant (also known as c.638G>A), located in coding exon 1 of the ZNF469 gene, results from a G to A substitution at nucleotide position 638. The serine at codon 213 is replaced by asparagine, an amino acid with highly similar properties. This amino acid position is conserved. In addition, this alteration is predicted to be tolerated by in silico analysis. Since supporting evidence is limited at this time, the clinical significance of this alteration remains unclear.

Labcorp Genetics (formerly Invitae), Labcorp
Classification: Uncertain significance. Last evaluated: 2021-12-08. Review status: criteria provided, single submitter. Criteria: Invitae Variant Classification Sherloc (09022015). Collection method: clinical testing. Allele origin: germline.
Comment: This sequence change replaces serine, which is neutral and polar, with asparagine, which is neutral and polar, at codon 213 of the ZNF469 protein (p.Ser213Asn). This variant is present in population databases (no rsID available, gnomAD 0.002%). This variant has not been reported in the literature in individuals affected with ZNF469-related conditions. Algorithms developed to predict the effect of missense changes on protein structure and function are either unavailable or do not agree on the potential impact of this missense change (SIFT: "Tolerated"; PolyPhen-2: "Possibly Damaging"; Align-GVGD: "Class C0"). In summary, the available evidence is currently insufficient to determine the role of this variant in disease. Therefore, it has been classified as a Variant of Uncertain Significance.

NM_001367624.2(ZNF469):c.638G>A (p.Ser213Asn)

Gene: ZNF469 (zinc finger protein 469; plus strand). Cytogenetic location: 16q24.2.
Variant type: single nucleotide variant.
Coding change: c.638G>A on transcript NM_001367624.2 (MANE Select); coding-DNA position 638, G replaced by A.
Protein change: p.Ser213Asn; replaces serine 213 with asparagine.
Molecular consequence: missense variant.
Genome position (GRCh38, 1-based): chr16:88,428,108, G>A. VCF-style: chr16-88428108-G-A. GRCh37 (hg19) VCF-style: chr16-88494516-G-A.
Other names: NM_001127464.1:c.638G>A; short protein forms S213N.
Identifiers: ClinVar variation 1367593 (VCV001367593.5), dbSNP rs1300492242, ClinGen allele CA397061328.